The following is an entry in ClinVar:

NM_001018113.3(FANCB):c.986T>C (p.Leu329Pro)

Gene: FANCB (FA complementation group B; minus strand). Cytogenetic location: Xp22.2.
Variant type: single nucleotide variant.
Coding change: c.986T>C on transcript NM_001018113.3 (MANE Select); coding-DNA position 986, T replaced by C.
Protein change: p.Leu329Pro; replaces leucine 329 with proline.
Molecular consequence: missense variant.
Genome position (GRCh38, 1-based): chrX:14,859,300, A>G on the plus strand (T>C on the coding strand, the complement: FANCB is on the minus strand). VCF-style: chrX-14859300-A-G. GRCh37 (hg19) VCF-style: chrX-14877422-A-G.
Other names: c.986T>C, p.Leu329Pro (NM_001324162.2, NM_152633.4); short protein forms L329P.
Identifiers: ClinVar variation 691304 (VCV000691304.2), dbSNP rs1161918267, ClinGen allele CA412443247.
Genomic context (GRCh38, chrX:14,859,300, plus strand): 5'-AAGGAGTCCTTAAAAAGTAGGAGTACTTGTTCAGTTCCACTTCCAATAAAGTCATCTATC[A>G]GTACTAAGCTAAGTTTTTCCCATTTAGCAGCAACCTAAAAGAAAGGGAGCATTATAGGAG-3'
Protein context (NP_001018123.1, residues 319-339): AAKWEKLSLV[Leu329Pro]IDDFIGSGTE

ClinVar aggregate classification (germline): Pathogenic (0 of 4 stars; one submission).

Conditions:
Fanconi anemia complementation group B (FANCB). Also called: FANCB-Related Fanconi Anemia; FANCONI PANCYTOPENIA, TYPE 2. Identifiers: Orphanet 84, MedGen C1845292, MONDO:0010351, OMIM 300514.

Submission:

Leiden Open Variation Database
Classification: Pathogenic for Fanconi anemia complementation group B. Last evaluated: 2020-02-28. Review status: no assertion criteria provided. Collection method: curation. Allele origin: germline. Affected: yes.
Comment: Curator: Arleen D. Auerbach. Submitter to LOVD: Arleen D. Auerbach.